The following is an entry in ClinVar:

ClinVar aggregate classification (germline): Uncertain significance. Review status: criteria provided, multiple submitters, no conflicts (2 of 4 stars). 2 submissions from 2 submitters: Uncertain significance (2). Last evaluated 2024-11-14.

Conditions:
Protoporphyria, erythropoietic, 2 (EPP2). Identifiers: MedGen C4693947, MONDO:0060729, OMIM 618015.

gnomAD v4.1: 22 of 1,580,420 alleles (0.0014%); highest among the groups gnomAD compares: Non-Finnish European, 0.0018%; no homozygotes.

Submissions (2):

Labcorp Genetics (formerly Invitae), Labcorp
Classification: Uncertain significance. Last evaluated: 2024-11-14. Review status: criteria provided, single submitter. Criteria: Invitae Variant Classification Sherloc (09022015). Collection method: clinical testing. Allele origin: germline.
Comment: This sequence change replaces alanine, which is neutral and non-polar, with valine, which is neutral and non-polar, at codon 13 of the CLPX protein (p.Ala13Val). The frequency data for this variant in the population databases is considered unreliable, as metrics indicate poor data quality at this position in the gnomAD database. This variant has not been reported in the literature in individuals affected with CLPX-related conditions. An algorithm developed to predict the effect of missense changes on protein structure and function (PolyPhen-2) suggests that this variant is likely to be tolerated. In summary, the available evidence is currently insufficient to determine the role of this variant in disease. Therefore, it has been classified as a Variant of Uncertain Significance.

Department of Pathology and Laboratory Medicine, Sinai Health System
Classification: Uncertain significance for protoporphyria, erythropoietic, 2. Last evaluated: 2020-06-22. Review status: criteria provided, single submitter. Criteria: ACMG Guidelines, 2015. Collection method: research. Allele origin: germline.

NM_006660.5(CLPX):c.38C>T (p.Ala13Val)

Gene: CLPX (caseinolytic mitochondrial matrix peptidase chaperone subunit X; minus strand). Cytogenetic location: 15q22.31.
Variant type: single nucleotide variant.
Coding change: c.38C>T on transcript NM_006660.5 (MANE Select); coding-DNA position 38, C replaced by T.
Protein change: p.Ala13Val; replaces alanine 13 with valine.
Molecular consequence: missense variant. On other transcripts: non-coding transcript variant (1).
Genome position (GRCh38, 1-based): chr15:65,185,116, G>A on the plus strand (C>T on the coding strand, the complement: CLPX is on the minus strand). VCF-style: chr15-65185116-G-A. GRCh37 (hg19) VCF-style: chr15-65477454-G-A.
Other names: short protein forms A13V.
Identifiers: ClinVar variation 3619097 (VCV003619097.3).
Genomic context (GRCh38, chr15:65,185,116, plus strand): 5'-AGTGGCACTATTTCGTTACCTCTCTGCGCGGAGGCGAGTGAGGAGGTGATGAGCCGGACG[G>A]CCGCCGCGCCGCAAGTACAAGCACCGCAGCTGGGCATCTCCGCGAGGCCTAGGCCGGGGC-3'
Protein context (NP_006651.2, residues 3-23): SCGACTCGAA[Ala13Val]VRLITSSLAS